The following is an entry in ClinVar:

ClinVar aggregate classification (germline): Benign. Review status: criteria provided, multiple submitters, no conflicts (2 of 4 stars). 4 submissions from 4 submitters: Benign (3). 1 of the submissions does not count toward it. Last evaluated 2026-01-31.

Conditions:
ABCA12-related disorder. Also called: ABCA12-related condition.
Congenital ichthyosis of skin. Identifiers: MedGen C0020758.

Allele frequency attached by ClinVar (database versions not stated): gnomAD exomes 0.00178 and 0.00479; ExAC 0.00599; 1000 Genomes Project 0.01777; 1000 Genomes Project 30x 0.01889; gnomAD 0.01895 and 0.02050; ESP Exome Variant Server 0.01999; TOPMed 0.02121.
gnomAD v4.1: 5,580 of 1,613,870 alleles (0.35%); highest among the groups gnomAD compares: African/African-American, 6.7%; 187 homozygotes.

Submissions (4):

Labcorp Genetics (formerly Invitae), Labcorp
Classification: Benign. Last evaluated: 2026-01-31. Review status: criteria provided, single submitter. Criteria: Invitae Variant Classification Sherloc (09022015). Collection method: clinical testing. Allele origin: germline.

Illumina Laboratory Services, Illumina
Classification: Benign for Congenital ichthyosis of skin. Last evaluated: 2018-01-12. Review status: criteria provided, single submitter. Criteria: ICSL Variant Classification Criteria 13 December 2019. Collection method: clinical testing. Allele origin: germline.
Comment: This variant was observed in the ICSL laboratory as part of a predisposition screen in an ostensibly healthy population. It had not been previously curated by ICSL or reported in the Human Gene Mutation Database (HGMD: prior to June 1st, 2018), and was therefore a candidate for classification through an automated scoring system. Utilizing variant allele frequency, disease prevalence and penetrance estimates, and inheritance mode, an automated score was calculated to assess if this variant is too frequent to cause the disease. Based on the score and internal cut-off values, a variant classified as benign is not then subjected to further curation. The score for this variant resulted in a classification of benign for this disease.

Breakthrough Genomics
Classification: Benign. Review status: criteria provided, single submitter. Criteria: ACMG Guidelines, 2015. Collection method: not provided. Allele origin: germline. Inheritance: Autosomal recessive inheritance. Affected: yes.

PreventionGenetics, part of Exact Sciences
Classification: Benign for ABCA12-related condition. Last evaluated: 2019-08-01. Review status: no assertion criteria provided. Collection method: clinical testing. Allele origin: germline. Not counted in ClinVar's aggregate classification.
Comment: This variant is classified as benign based on ACMG/AMP sequence variant interpretation guidelines (Richards et al. 2015 PMID: 25741868, with internal and published modifications).

NM_173076.3(ABCA12):c.2295G>A (p.Glu765=)

Gene: ABCA12 (ATP binding cassette subfamily A member 12; minus strand). Cytogenetic location: 2q35.
Variant type: single nucleotide variant.
Coding change: c.2295G>A on transcript NM_173076.3 (MANE Select); coding-DNA position 2295, G replaced by A.
Protein change: p.Glu765=; no amino-acid change (glutamic acid 765 retained).
Molecular consequence: synonymous variant. On other transcripts: non-coding transcript variant (1).
Genome position (GRCh38, 1-based): chr2:215,011,476, C>T on the plus strand (G>A on the coding strand, the complement: ABCA12 is on the minus strand). VCF-style: chr2-215011476-C-T. GRCh37 (hg19) VCF-style: chr2-215876200-C-T.
Other names: c.1341G>A, p.Glu447= (NM_015657.4).
Identifiers: ClinVar variation 334255 (VCV000334255.16), dbSNP rs10185368, ClinGen allele CA2091997.